The following is an entry in ClinVar:

NM_001035.3(RYR2):c.5229C>T (p.Asn1743=)

Gene: RYR2 (ryanodine receptor 2; plus strand). Cytogenetic location: 1q43.
Variant type: single nucleotide variant.
Coding change: c.5229C>T on transcript NM_001035.3 (MANE Select); coding-DNA position 5229, C replaced by T.
Protein change: p.Asn1743=; no amino-acid change (asparagine 1743 retained).
Molecular consequence: synonymous variant.
Genome position (GRCh38, 1-based): chr1:237,614,357, C>T. VCF-style: chr1-237614357-C-T. GRCh37 (hg19) VCF-style: chr1-237777657-C-T.
Other names: c.5229C>T (NM_001035.2).
Identifiers: ClinVar variation 927729 (VCV000927729.4), dbSNP rs1678229985, ClinGen allele CA424031207.

ClinVar aggregate classification (germline): Likely benign. Review status: criteria provided, multiple submitters, no conflicts (2 of 4 stars). 3 submissions from 3 submitters: Likely benign (3). Last evaluated 2025-04-24.

Conditions:
Catecholaminergic polymorphic ventricular tachycardia (CVPT). Also called: Catecholamine-induced polymorphic ventricular tachycardia. Identifiers: Orphanet 3286, MedGen C5574922, MONDO:0017990.
Cardiovascular phenotype. Identifiers: MedGen CN230736.
Cardiomyopathy (CMYO). Also called: Cardiomyopathies. Identifiers: Orphanet 167848, MedGen C0878544, MONDO:0004994, HP:0001638. Inheritance: Various modes of inheritance.

gnomAD v4.1: 4 of 1,614,028 alleles (0.00025%); highest among the groups gnomAD compares: Non-Finnish European, 0.00034%; no homozygotes.

Submissions (3):

Ambry Genetics
Classification: Likely benign for Cardiovascular phenotype. Last evaluated: 2025-04-24. Review status: criteria provided, single submitter. Criteria: Ambry Variant Classification Scheme 2023. Collection method: clinical testing. Allele origin: germline.

All of Us Research Program, National Institutes of Health
Classification: Likely benign for Catecholaminergic polymorphic ventricular tachycardia. Last evaluated: 2023-04-03. Review status: criteria provided, single submitter. Criteria: ACMG Guidelines, 2015. Collection method: clinical testing. Allele origin: germline. Inheritance: Autosomal dominant inheritance. Observed: 1 variant allele, 1 heterozygote.
Comment: This study involves interpretation of variants in research participants for the purpose of population health screening. Participant phenotype was not available at the time of variant classification. Additional details can be found in publication PMID: 35346344, PMCID: PMC8962531

Color Diagnostics, LLC DBA Color Health
Classification: Likely benign for Cardiomyopathy. Last evaluated: 2018-11-30. Review status: criteria provided, single submitter. Criteria: ACMG Guidelines, 2015. Collection method: clinical testing. Allele origin: germline.